The following is an entry in ClinVar:

NM_000368.5(TSC1):c.2039_2041+1del

Gene: TSC1 (TSC complex subunit 1; minus strand). Cytogenetic location: 9q34.13.
Variant type: Deletion.
Coding change: c.2039_2041+1del on transcript NM_000368.5 (MANE Select); coding-DNA position 2039 through the canonical splice donor site of the intron after coding-DNA position 2041, 4 bases deleted (GAGG; older notation c.2039_2041+1delGAGG).
Molecular consequence: splice donor variant.
Genome position (GRCh38, 1-based): chr9:132,904,410-132,904,413, CCTC deleted on the plus strand (GAGG on the coding strand, the reverse complement: TSC1 is on the minus strand); deleting any 4 consecutive bases within chr9:132,904,410-132,904,414 gives the same sequence; the c. name uses the placement nearest the transcript's 3' end. VCF-style (leftmost placement, unchanged base first): chr9-132904409-ACCTC-A. GRCh37 (hg19) VCF-style: chr9-135779796-ACCTC-A.
Other names: c.1676_1678+1del (NM_001362177.2); c.1886_1888+1del (NM_001162427.2); c.2036_2038+1del (NM_001162426.2).
Identifiers: ClinVar variation 1452012 (VCV001452012.6), dbSNP rs2131785934, ClinGen allele CA2573144252.
Genomic context (GRCh38, chr9:132,904,409, plus strand): 5'-AAAGGGCAACAAGCAAGCAGGAACCATGTGGGCTGGATTTGGAGCTAAAGTAACAACTTT[ACCTC>A]CAAAGTGGGTCCAGTCGACAGACTTGCTGGGTAAAGGCAACCTAGGAAGAAAGTTTTTGA-3'

ClinVar aggregate classification (germline): Pathogenic (1 of 4 stars; one submission).

Conditions:
Tuberous sclerosis 1 (TSC1). Identifiers: Orphanet 805, MedGen C1854465, MONDO:0008612, OMIM 191100.

Submission:

Labcorp Genetics (formerly Invitae), Labcorp
Classification: Pathogenic for Tuberous sclerosis 1. Last evaluated: 2020-12-03. Review status: criteria provided, single submitter. Criteria: Invitae Variant Classification Sherloc (09022015). Collection method: clinical testing. Allele origin: germline.
Comment: This variant has not been reported in the literature in individuals with TSC1-related conditions. Algorithms developed to predict the effect of sequence changes on RNA splicing suggest that this variant may disrupt the consensus splice site, but this prediction has not been confirmed by published transcriptional studies. For these reasons, this variant has been classified as Pathogenic. This variant is not present in population databases (ExAC no frequency). This sequence change creates a premature translational stop signal (p.Gly860Alafs*43) in the TSC1 gene. It is expected to result in an absent or disrupted protein product. Loss-of-function variants in TSC1 are known to be pathogenic (PMID: 10227394, 17304050).

Literature cited by the submitters: PubMed 10227394; PubMed 17304050.